The following is an entry in ClinVar:

NM_000135.4(FANCA):c.4115del (p.Asp1372fs)

Genes: FANCA (FA complementation group A; minus strand), ZNF276 (zinc finger protein 276; plus strand). Cytogenetic location: 16q24.3.
Variant type: Deletion.
Coding change: c.4115del on transcript NM_000135.4 (MANE Select); coding-DNA position 4115, one base deleted (A; older notation c.4115delA).
Protein change: p.Asp1372fs; shifts the reading frame from aspartic acid 1372.
Molecular consequence: frameshift variant. On other transcripts: 3 prime UTR variant (2), non-coding transcript variant (4).
Genome position (GRCh38, 1-based): chr16:89,739,185, T deleted on the plus strand (A on the coding strand, the reverse complement: FANCA is on the minus strand). VCF-style (leftmost placement, unchanged base first): chr16-89739184-AT-A. GRCh37 (hg19) VCF-style: chr16-89805592-AT-A.
Other names: c.4115del, p.Asp1372fs (NM_001286167.3); c.*939del (NM_001113525.2, NM_152287.4); short protein forms D1372fs.
Identifiers: ClinVar variation 1998483 (VCV001998483.4), dbSNP rs2544079230, ClinGen allele CA2580092421.
Genomic context (GRCh38, chr16:89,739,184, plus strand): 5'-TGCACCTGCCTGACCCTTGAGCTCCAGGCTCCTGCCAGCTGGAGGTGAAACTGTGCTTGT[AT>A]CCCCAGCCACGAAGAGCTGGACCAGCTTCAAGTACATGTCCACAGCAACATGCAGGAAGG-3'

ClinVar aggregate classification (germline): Pathogenic (1 of 4 stars; one submission).

Conditions:
Fanconi anemia (FA). Also called: Fanconi's anemia. Identifiers: Orphanet 84, MedGen C0015625, MeSH D005199, MONDO:0019391.

Submission:

Labcorp Genetics (formerly Invitae), Labcorp
Classification: Pathogenic for Fanconi anemia. Last evaluated: 2022-05-30. Review status: criteria provided, single submitter. Criteria: Invitae Variant Classification Sherloc (09022015). Collection method: clinical testing. Allele origin: germline.
Comment: For these reasons, this variant has been classified as Pathogenic. Algorithms developed to predict the effect of sequence changes on RNA splicing suggest that this variant may disrupt the consensus splice site. This variant has not been reported in the literature in individuals affected with FANCA-related conditions. This variant is not present in population databases (gnomAD no frequency). This sequence change creates a premature translational stop signal (p.Asp1372Valfs*24) in the FANCA gene. It is expected to result in an absent or disrupted protein product. Loss-of-function variants in FANCA are known to be pathogenic (PMID: 19367192).

Literature cited by the submitters: PubMed 19367192.